The following is an entry in ClinVar:

ClinVar aggregate classification (germline): Uncertain significance. Review status: criteria provided, multiple submitters, no conflicts (2 of 4 stars). 2 submissions from 2 submitters: Uncertain significance (2). Last evaluated 2026-06-23.

Conditions:
FGFR3-related chondrodysplasia. Identifiers: Orphanet 93420, MedGen C5681604, MONDO:0019685.

gnomAD v4.1: 5 of 1,612,598 alleles (0.00031%); highest among the groups gnomAD compares: East Asian, 0.0022%; no homozygotes.

Submissions (2):

Genomenon, Inc
Classification: Uncertain significance for FGFR3-related chondrodysplasia. Last evaluated: 2026-06-23. Review status: criteria provided, single submitter. Criteria: Genomenon Sequence Variant Interpretation Standards - Updated. Collection method: curation. Allele origin: germline. Affected: no.
Comment: FGFR3 p.Val553Leu (c.1657G>T) is a missense variant that changes the amino acid at codon 553 from Valine to Leucine. This variant has been reported in the published literature (PMID:36373817). It is absent or not present at a significant frequency in gnomAD. In conclusion, we classify FGFR3 p.Val553Leu (c.1657G>T) as a variant of uncertain significance.

Blueprint Genetics
Classification: Uncertain significance. Last evaluated: 2024-03-12. Review status: criteria provided, single submitter. Criteria: ACMG Guidelines, 2015. Collection method: clinical testing. Allele origin: germline.

Literature cited by the submitters: PubMed 37377403 (cited by Genomenon, Inc); PubMed 36373817 (cited by Genomenon, Inc); PubMed 39690380 (cited by Genomenon, Inc); PubMed 39138146 (cited by Genomenon, Inc).

NM_000142.5(FGFR3):c.1657G>T (p.Val553Leu)

Gene: FGFR3 (fibroblast growth factor receptor 3; plus strand). Cytogenetic location: 4p16.3.
Variant type: single nucleotide variant.
Coding change: c.1657G>T on transcript NM_000142.5 (MANE Select); coding-DNA position 1657, G replaced by T.
Protein change: p.Val553Leu; replaces valine 553 with leucine.
Molecular consequence: missense variant. On other transcripts: non-coding transcript variant (1).
Genome position (GRCh38, 1-based): chr4:1,805,761, G>T. VCF-style: chr4-1805761-G-T. GRCh37 (hg19) VCF-style: chr4-1807488-G-T.
Other names: c.1663G>T, p.Val555Leu (NM_001163213.2); c.1660G>T, p.Val554Leu (NM_001354809.2, NM_001354810.2); c.1321G>T, p.Val441Leu (NM_022965.4); short protein forms V441L, V553L, V554L, V555L.
Identifiers: ClinVar variation 4857787 (VCV004857787.2).